The following is an entry in ClinVar:

NM_004700.4(KCNQ4):c.1202G>A (p.Arg401Gln)

Gene: KCNQ4 (potassium voltage-gated channel subfamily Q member 4; plus strand). Cytogenetic location: 1p34.2.
Variant type: single nucleotide variant.
Coding change: c.1202G>A on transcript NM_004700.4 (MANE Select); coding-DNA position 1202, G replaced by A.
Protein change: p.Arg401Gln; replaces arginine 401 with glutamine.
Molecular consequence: missense variant. On other transcripts: intron variant (1).
Genome position (GRCh38, 1-based): chr1:40,824,168, G>A. VCF-style: chr1-40824168-G-A. GRCh37 (hg19) VCF-style: chr1-41289840-G-A.
Other names: c.1130+1766G>A (NM_172163.3); c.1202G>A (NM_004700.3); short protein forms R401Q.
Identifiers: ClinVar variation 1465186 (VCV001465186.10), dbSNP rs551509351, ClinGen allele CA794800.

ClinVar aggregate classification (germline): Uncertain significance. Review status: criteria provided, multiple submitters, no conflicts (2 of 4 stars). 3 submissions from 3 submitters: Uncertain significance (3). Last evaluated 2023-04-11.

Conditions:
Autosomal dominant nonsyndromic hearing loss 2A. Also called: Deafness, autosomal dominant 2A; DFNA2 Nonsyndromic Hearing Loss; Autosomal dominant nonsyndromic deafness 2A. Identifiers: Orphanet 90635, MedGen C2677637, MONDO:0010817, OMIM 600101.
Inborn genetic diseases. Identifiers: MedGen C0950123, MeSH D030342.

Allele frequency attached by ClinVar (database versions not stated): gnomAD 0.00001 and 0.00002; TOPMed 0.00002; gnomAD exomes 0.00003; 1000 Genomes Project 30x 0.00016; 1000 Genomes Project 0.00020; ExAC 0.00021.
gnomAD v4.1: 56 of 1,558,110 alleles (0.0036%); highest among the groups gnomAD compares: Non-Finnish European, 0.0043%; no homozygotes.

Submissions (3):

Genome-Nilou Lab
Classification: Uncertain significance for Autosomal dominant nonsyndromic hearing loss 2A. Last evaluated: 2023-04-11. Review status: criteria provided, single submitter. Criteria: ACMG Guidelines, 2015. Collection method: clinical testing. Allele origin: germline. Affected: no.

Ambry Genetics
Classification: Uncertain significance for Inborn genetic diseases. Last evaluated: 2022-09-06. Review status: criteria provided, single submitter. Criteria: Ambry Variant Classification Scheme 2023. Collection method: clinical testing. Allele origin: germline.

Labcorp Genetics (formerly Invitae), Labcorp
Classification: Uncertain significance. Last evaluated: 2021-06-13. Review status: criteria provided, single submitter. Criteria: Invitae Variant Classification Sherloc (09022015). Collection method: clinical testing. Allele origin: germline.
Comment: This sequence change replaces arginine with glutamine at codon 401 of the KCNQ4 protein (p.Arg401Gln). The arginine residue is weakly conserved and there is a small physicochemical difference between arginine and glutamine. The frequency data for this variant in the population databases is considered unreliable, as metrics indicate poor data quality at this position in the ExAC database. This variant has not been reported in the literature in individuals with KCNQ4-related conditions. Algorithms developed to predict the effect of missense changes on protein structure and function (SIFT, PolyPhen-2, Align-GVGD) all suggest that this variant is likely to be tolerated, but these predictions have not been confirmed by published functional studies and their clinical significance is uncertain. In summary, the available evidence is currently insufficient to determine the role of this variant in disease. Therefore, it has been classified as a Variant of Uncertain Significance.